The following is an entry in ClinVar:

ClinVar aggregate classification (germline): Pathogenic. Review status: criteria provided, multiple submitters, no conflicts (2 of 4 stars). 2 submissions from 2 submitters: Pathogenic (2). Last evaluated 2024-06-24.

Conditions:
Lynch syndrome 5 (LYNCH5). Also called: Colorectal cancer, hereditary nonpolyposis, type 5; Hereditary non-polyposis colorectal cancer, type 5. Identifiers: Orphanet 144, MedGen C1833477, MONDO:0013710, OMIM 614350. Disease mechanism: loss of function.
Hereditary cancer-predisposing syndrome. Also called: Neoplastic Syndromes, Hereditary; Tumor predisposition; Hereditary neoplastic syndrome; Hereditary Cancer Syndrome. Identifiers: Orphanet 140162, MedGen C0027672, MeSH D009386, MONDO:0015356.

Submissions (2):

Myriad Genetics, Inc.
Classification: Pathogenic for Lynch syndrome 5. Last evaluated: 2024-06-24. Review status: criteria provided, single submitter. Criteria: Myriad Autosomal Dominant, Autosomal Recessive and X-Linked Classification Criteria (2023). Collection method: clinical testing. Allele origin: unknown.
Comment: This variant is considered pathogenic. This variant creates a frameshift predicted to result in premature protein truncation.

Ambry Genetics
Classification: Pathogenic for Hereditary cancer-predisposing syndrome. Last evaluated: 2023-12-11. Review status: criteria provided, single submitter. Criteria: Ambry Variant Classification Scheme 2023. Collection method: clinical testing. Allele origin: germline.
Comment: The c.466delT pathogenic mutation, located in coding exon 3 of the MSH6 gene, results from a deletion of one nucleotide at nucleotide position 466, causing a translational frameshift with a predicted alternate stop codon (p.S156Qfs*18). This variant is considered to be rare based on population cohorts in the Genome Aggregation Database (gnomAD). This alteration is expected to result in loss of function by premature protein truncation or nonsense-mediated mRNA decay. As such, this alteration is interpreted as a disease-causing mutation.

NM_000179.3(MSH6):c.466del (p.Ser156fs)

Gene: MSH6 (mutS homolog 6; plus strand). Cytogenetic location: 2p16.3.
Variant type: Deletion.
Coding change: c.466del on transcript NM_000179.3 (MANE Select); coding-DNA position 466, one base deleted (T; older notation c.466delT).
Protein change: p.Ser156fs; shifts the reading frame from serine 156.
Molecular consequence: frameshift variant. On other transcripts: 5 prime UTR variant (5), non-coding transcript variant (5), intron variant (8).
Genome position (GRCh38, 1-based): chr2:47,795,902, T deleted. VCF-style (leftmost placement, unchanged base first): chr2-47795901-AT-A. GRCh37 (hg19) VCF-style: chr2-48023040-AT-A.
Other names: c.-437del (NM_001281494.2); c.562del, p.Ser188fs (NM_001406795.1, NM_001406802.1); c.466del, p.Ser156fs (NM_001406796.1, NM_001406798.1, NM_001406800.1 and 5 more transcripts); c.169del, p.Ser57fs (NM_001406797.1, NM_001406801.1, NM_001406805.1 and 10 more transcripts); c.-60del (NM_001406799.1, NM_001406806.1, NM_001406807.1); c.388del, p.Ser130fs (NM_001406804.1); c.472del, p.Ser158fs (NM_001406813.1); c.-529del (NM_001406814.1); and 3 more; short protein forms S100fs, S130fs, S156fs, S158fs, S188fs, S57fs.
Identifiers: ClinVar variation 3230582 (VCV003230582.2), dbSNP rs2530515340, ClinGen allele CA2825001105.
Genomic context (GRCh38, chr2:47,795,901, plus strand): 5'-GGCGTGAGCCTCTGCACCCGGCCCTTATTGTTTATAAATACATTTCTTTCTAGGTTCAAA[AT>A]CAAAGGAAGCCCAGAAGGGAGGTCATTTTTACAGTGCAAAGCCTGAAATACTGAGAGCAA-3'